The following is an entry in ClinVar:

ClinVar aggregate classification (germline): Pathogenic (1 of 4 stars; one submission).

Submission:

Quest Diagnostics Nichols Institute San Juan Capistrano
Classification: Pathogenic. Last evaluated: 2022-03-09. Review status: criteria provided, single submitter. Criteria: ACMG/ClinGen CNV Guidelines, 2019. Collection method: clinical testing. Allele origin: unknown.
Comment: This terminal deletion of 4p, including WHSC1/NSD2 and LETM1 critical genes, is consistent with the clinical diagnosis of Wolf-Hirschhornsyndrome (WHS, OMIM 194190). WHS is characterized by pre- andpostnatal growth deficiency, developmental delay, intellectual disability, characteristic craniofacial features, and seizures.

GRCh37/hg19 4p16.3-15.33(chr4:68346-12369983)x1

Genes: ABLIM2 (actin binding LIM protein family member 2; minus strand), ACOX3 (acyl-CoA oxidase 3, pristanoyl; minus strand), ADD1 (adducin 1; plus strand), ADRA2C (adrenoceptor alpha 2C; plus strand), AFAP1 (actin filament associated protein 1; minus strand) and 114 more. Cytogenetic location: 4p16.3-15.33.
Variant type: copy number loss.
Change: copy number 1 (one copy instead of two) of chr4:68,346-12,369,983 (12.30 Mb, GRCh37 coordinates, 1-based), cytogenetic band 4p16.3-15.33.
Identifiers: ClinVar variation 1808552 (VCV001808552.1).